The following is an entry in ClinVar:

ClinVar aggregate classification (germline): Uncertain significance (1 of 4 stars; one submission).

Conditions:
Developmental and epileptic encephalopathy, 66. Also called: EPILEPTIC ENCEPHALOPATHY, EARLY INFANTILE, 66. Identifiers: MedGen C4748070, MONDO:0054845, OMIM 618067.

gnomAD v4.1: 4 of 1,599,156 alleles (0.00025%); highest among the groups gnomAD compares: Non-Finnish European, 0.00034%; no homozygotes.

Submission:

Victorian Clinical Genetics Services, Murdoch Childrens Research Institute
Classification: Uncertain significance for Developmental and epileptic encephalopathy, 66. Last evaluated: 2024-09-21. Review status: criteria provided, single submitter. Criteria: ACMG Guidelines, 2015. Collection method: clinical testing. Allele origin: germline. Inheritance: Autosomal dominant inheritance. Affected: yes.
Comment: Based on the classification scheme VCGS_Germline_v1.3.4, this variant is classified as VUS-3B. Following criteria are met: 0105 - The mechanism of disease for this gene is not clearly established. However immunoprecipitation studies have shown that the recurrent p.(Glu209Lys) variant causes increased interaction between PACS2 and client proteins suggesting a gain of function mechanism (PMID: 29656858). (I) 0107 - This gene is associated with autosomal dominant disease. (I) 0115 - Variants in this gene are known to have variable expressivity. (I) 0212 - Non-canonical splice site variant without proven consequence on splicing (no functional evidence available). (SP) 0251 - This variant is heterozygous. (I) 0301 - Variant is absent from gnomAD (both v2 and v3). (SP) 0508 - In silico predictions for abnormal splicing are conflicting. As a missense variant, it is consistently predicted to be tolerated by multiple in silico tools or not conserved in placental mammals with a minor amino acid change. (I) 0600 - Variant is located in the annotated PACS-1 cytosolic sorting protein domain (DECIPHER). (I) 0710 - Another missense variant comparable to the one identified in this case has inconclusive previous evidence for pathogenicity. ClinVar contains a VUS entry for p.(Val631Ile), however it is uncertain if this variant would affect splicing. (I) 0807 - This variant has no previous evidence of pathogenicity. (I) 0905 - No published segregation evidence has been identified for this variant. (I) 1007 - No published functional evidence has been identified for this variant. (I) 1208 - Inheritance information for this variant is not currently available in this individual. (I) Legend: (SP) - Supporting pathogenic, (I) - Information, (SB) - Supporting benign

Literature cited by the submitters: PubMed 29656858; PubMed 35770754.

NM_001100913.3(PACS2):c.1891G>C (p.Val631Leu)

Gene: PACS2 (phosphofurin acidic cluster sorting protein 2; plus strand). Cytogenetic location: 14q32.33.
Variant type: single nucleotide variant.
Coding change: c.1891G>C on transcript NM_001100913.3 (MANE Select); coding-DNA position 1891, G replaced by C.
Protein change: p.Val631Leu; replaces valine 631 with leucine.
Molecular consequence: missense variant.
Genome position (GRCh38, 1-based): chr14:105,384,463, G>C. VCF-style: chr14-105384463-G-C. GRCh37 (hg19) VCF-style: chr14-105850800-G-C.
Other names: c.1654G>C, p.Val552Leu (NM_001243127.3); c.1879G>C, p.Val627Leu (NM_015197.4); short protein forms V552L, V627L, V631L.
Identifiers: ClinVar variation 3376682 (VCV003376682.1).
Genomic context (GRCh38, chr14:105,384,463, plus strand): 5'-AACTTCTTCCAGGACCTGGCCTGGAGAGACCTGTTCAACAAGCTGGAGGCCCAGAGTGCG[G>C]GTGAGGCCCGGGCGCGTCCACAGCCCACGCCACGGCGGGAGGAAGGGGCCCCGGTTTCCC-3'
Protein context (NP_001094383.2, residues 621-641): LFNKLEAQSA[Val631Leu]QDTPDIVSRI